The following is an entry in ClinVar:

NM_000548.5(TSC2):c.5261T>C (p.Ile1754Thr)

Gene: TSC2 (TSC complex subunit 2; plus strand). Cytogenetic location: 16p13.3.
Variant type: single nucleotide variant.
Coding change: c.5261T>C on transcript NM_000548.5 (MANE Select); coding-DNA position 5261, T replaced by C.
Protein change: p.Ile1754Thr; replaces isoleucine 1754 with threonine.
Molecular consequence: missense variant. On other transcripts: non-coding transcript variant (5).
Genome position (GRCh38, 1-based): chr16:2,088,447, T>C. VCF-style: chr16-2088447-T-C. GRCh37 (hg19) VCF-style: chr16-2138448-T-C.
Other names: c.5060T>C, p.Ile1687Thr (NM_001077183.3); c.5192T>C, p.Ile1731Thr (NM_001114382.3); c.4952T>C, p.Ile1651Thr (NM_001318827.2); c.4916T>C, p.Ile1639Thr (NM_001318829.2); c.4529T>C, p.Ile1510Thr (NM_001318831.2); c.5093T>C, p.Ile1698Thr (NM_001318832.2); c.5063T>C, p.Ile1688Thr (NM_001363528.2); c.5129T>C, p.Ile1710Thr (NM_001370404.1); and 27 more; short protein forms I1488T, I1530T, I1651T, I1681T, I1707T, I1717T, I1730T, I1753T.
Identifiers: ClinVar variation 2761663 (VCV002761663.3), dbSNP rs762320484, ClinGen allele CA394315014.

ClinVar aggregate classification (germline): Uncertain significance (1 of 4 stars; one submission).

Conditions:
Tuberous sclerosis 2 (TSC2). Identifiers: Orphanet 805, MedGen C1860707, MONDO:0013199, OMIM 613254.

Submission:

Labcorp Genetics (formerly Invitae), Labcorp
Classification: Uncertain significance for Tuberous sclerosis 2. Last evaluated: 2023-09-18. Review status: criteria provided, single submitter. Criteria: Invitae Variant Classification Sherloc (09022015). Collection method: clinical testing. Allele origin: germline.
Comment: In summary, the available evidence is currently insufficient to determine the role of this variant in disease. Therefore, it has been classified as a Variant of Uncertain Significance. Algorithms developed to predict the effect of sequence changes on RNA splicing suggest that this variant may create or strengthen a splice site. An algorithm developed to predict the effect of missense changes on protein structure and function (PolyPhen-2) suggests that this variant is likely to be tolerated. This variant has not been reported in the literature in individuals affected with TSC2-related conditions. This variant is not present in population databases (gnomAD no frequency). This sequence change replaces isoleucine, which is neutral and non-polar, with threonine, which is neutral and polar, at codon 1754 of the TSC2 protein (p.Ile1754Thr).